The following is an entry in ClinVar:

NM_002485.5(NBN):c.1871_1873del (p.Arg624_Glu625delinsGln)

Genes: NBN (nibrin; minus strand), LOC126860438 (MED14-independent group 3 enhancer GRCh37_chr8:90959982-90961181; plus strand). Cytogenetic location: 8q21.3.
Variant type: Deletion.
Coding change: c.1871_1873del on transcript NM_002485.5 (MANE Select); coding-DNA positions 1871 to 1873, 3 bases deleted (GTG; older notation c.1871_1873delGTG).
Protein change: p.Arg624_Glu625delinsGln.
Molecular consequence: inframe indel.
Genome position (GRCh38, 1-based): chr8:89,947,865-89,947,867, CAC deleted on the plus strand (GTG on the coding strand, the reverse complement: NBN is on the minus strand). VCF-style (leftmost placement, unchanged base first): chr8-89947864-TCAC-T. GRCh37 (hg19) VCF-style: chr8-90960092-TCAC-T.
Other names: c.1871_1873delGTG (NM_002485.4); c.1625_1627del, p.Arg542_Glu543delinsGln (NM_001024688.3).
Identifiers: ClinVar variation 461524 (VCV000461524.7), dbSNP rs1554556932, ClinGen allele CA658657787.

ClinVar aggregate classification (germline): Uncertain significance (1 of 4 stars; one submission).

Conditions:
Microcephaly, normal intelligence and immunodeficiency (NBS). Also called: IMMUNODEFICIENCY, MICROCEPHALY, AND CHROMOSOMAL INSTABILITY; SEEMANOVA SYNDROME II; Nijmegen breakage syndrome; Microcephaly with normal intelligence immunodeficiency and lymphoreticular malignancies; Nonsyndromal microcephaly autosomal recessive with normal intelligence; Seemanova syndrome 2. Identifiers: Orphanet 647, MedGen C0398791, MONDO:0009623, OMIM 251260.

Submission:

Labcorp Genetics (formerly Invitae), Labcorp
Classification: Uncertain significance for Microcephaly, normal intelligence and immunodeficiency. Last evaluated: 2023-10-13. Review status: criteria provided, single submitter. Criteria: Invitae Variant Classification Sherloc (09022015). Collection method: clinical testing. Allele origin: germline.
Comment: This variant, c.1871_1873del, is a complex sequence change that results in the deletion of 2 and insertion of 1 amino acid(s) in the NBN protein (p.Arg624_Glu625delinsGln). This variant is not present in population databases (gnomAD no frequency). This variant has not been reported in the literature in individuals affected with NBN-related conditions. ClinVar contains an entry for this variant (Variation ID: 461524). Experimental studies and prediction algorithms are not available or were not evaluated, and the functional significance of this variant is currently unknown. RNA analysis performed to evaluate the impact of this variant on mRNA splicing indicates it does not significantly alter splicing (Invitae). In summary, the available evidence is currently insufficient to determine the role of this variant in disease. Therefore, it has been classified as a Variant of Uncertain Significance.